The following is an entry in ClinVar:

ClinVar aggregate classification (germline): Pathogenic/Likely pathogenic. Review status: criteria provided, multiple submitters, no conflicts (2 of 4 stars). 2 submissions from 2 submitters: Pathogenic (1); Likely pathogenic (1). Last evaluated 2023-04-10.

Conditions:
ANKRD11-related disorder. Also called: ANKRD11-related condition.

Submissions (2):

GeneDx
Classification: Pathogenic. Last evaluated: 2023-04-10. Review status: criteria provided, single submitter. Criteria: GeneDx Variant Classification Process June 2021. Collection method: clinical testing. Allele origin: germline. Affected: yes.
Comment: Frameshift variant predicted to result in protein truncation or nonsense mediated decay in a gene for which loss of function is a known mechanism of disease; Not observed at significant frequency in large population cohorts (gnomAD); Has not been previously published as pathogenic or benign to our knowledge

Blueprint Genetics
Classification: Likely pathogenic for ANKRD11-related disorders. Last evaluated: 2021-12-31. Review status: criteria provided, single submitter. Criteria: ACMG Guidelines, 2015. Collection method: clinical testing. Allele origin: germline. Affected: yes. Observed: 1 variant allele.

NM_013275.6(ANKRD11):c.963dup (p.Glu322fs)

Gene: ANKRD11 (ankyrin repeat domain 11; minus strand). Cytogenetic location: 16q24.3.
Variant type: Duplication.
Coding change: c.963dup on transcript NM_013275.6 (MANE Select); coding-DNA position 963, one base duplicated (C; older notation c.963dupC).
Protein change: p.Glu322fs; shifts the reading frame from glutamic acid 322.
Molecular consequence: frameshift variant.
Genome position (GRCh38, 1-based): chr16:89,285,579, G duplicated on the plus strand (C on the coding strand, the reverse complement: ANKRD11 is on the minus strand); the first of 2 consecutive G bases (chr16:89,285,579-89,285,580); duplicating either gives the same sequence. VCF-style (leftmost placement, unchanged base first): chr16-89285578-C-CG. GRCh37 (hg19) VCF-style: chr16-89351986-C-CG.
Other names: c.963dup, p.Glu322fs (NM_001256182.2, NM_001256183.2); short protein forms E322fs.
Identifiers: ClinVar variation 2499435 (VCV002499435.2), dbSNP rs2544246853, ClinGen allele CA2580092276.